The following is an entry in ClinVar:

ClinVar aggregate classification (germline): Uncertain significance (1 of 4 stars; one submission).

Conditions:
Khan-Khan-Katsanis syndrome. Also called: 3K SYNDROME. Identifiers: MedGen C5193110, MONDO:0032764, OMIM 618460.

Submission:

New York Genome Center
Classification: Uncertain significance for Khan-Khan-Katsanis syndrome. Last evaluated: 2021-07-08. Review status: criteria provided, single submitter. Criteria: NYGC Assertion Criteria 2020. Collection method: clinical testing. Allele origin: germline. Observed: 1 variant allele. Study: CSER-NYCKidSeq.
Comment: The heterozygous one nucleotide deletion [c.1008del (p.Trp336Ter)] identified in exon 10 (of 28) of the NCAPG2 gene has not been reported in affected individuals in the literature. The variant alters the wild-type translational reading frame and is predicted to cause loss of normal protein function eitherthrough protein truncation or nonsense-mediated mRNA decay. The c.1008del variant has 0.000006577 allele frequency in the gnomAD(v3) database (1 out of152056 heterozygous alleles, no homozygotes) suggesting it is not a common benign variant in the populations represented in that database. Predicted null variants (nonsense, frameshift, canonical ±1 or 2 splice sites) in the NCAPG2 gene have not been reported in affected individuals in the literature. Based on the available evidence, the heterozygous one nucleotide deletion [c.1008del (p.Trp336Ter)] identified in exon 10 (of 28) of the NCAPG2 gene is reported as a Variant ofUncertain Significance.

NM_017760.7(NCAPG2):c.1008del (p.Leu335_Trp336insTer)

Gene: NCAPG2 (non-SMC condensin II complex subunit G2; minus strand). Cytogenetic location: 7q36.3.
Variant type: Deletion.
Coding change: c.1008del on transcript NM_017760.7 (MANE Select); coding-DNA position 1008, one base deleted (G; older notation c.1008delG).
Protein change: p.Leu335_Trp336insTer.
Molecular consequence: nonsense. On other transcripts: non-coding transcript variant (1).
Genome position (GRCh38, 1-based): chr7:158,680,733, C deleted on the plus strand (G on the coding strand, the reverse complement: NCAPG2 is on the minus strand); the first of 2 consecutive C bases (chr7:158,680,733-158,680,734); deleting either gives the same sequence. VCF-style (leftmost placement, unchanged base first): chr7-158680732-TC-T. GRCh37 (hg19) VCF-style: chr7-158473424-TC-T.
Other names: c.1008del, p.Leu335_Trp336insTer (NM_001281932.2, NM_001281933.2).
Identifiers: ClinVar variation 1679758 (VCV001679758.1), dbSNP rs1834398779, ClinGen allele CA1109381368.
Genomic context (GRCh38, chr7:158,680,732, plus strand): 5'-AGCACAAGTAGTACATTCCAAACACGGATAAACTATTTGAAATGTATACCTTTAATCCTC[TC>T]CAAAGGATGGGCTTATATAATCTATAAAGCATCTCTTCCACTCCCTGCCGAACTTTCTTT-3'